The following is an entry in ClinVar:

NM_017636.4(TRPM4):c.2173G>T (p.Asp725Tyr)

Gene: TRPM4 (transient receptor potential cation channel subfamily M member 4; plus strand). Cytogenetic location: 19q13.33.
Variant type: single nucleotide variant.
Coding change: c.2173G>T on transcript NM_017636.4 (MANE Select); coding-DNA position 2173, G replaced by T.
Protein change: p.Asp725Tyr; replaces aspartic acid 725 with tyrosine.
Molecular consequence: missense variant.
Genome position (GRCh38, 1-based): chr19:49,190,736, G>T. VCF-style: chr19-49190736-G-T. GRCh37 (hg19) VCF-style: chr19-49693993-G-T.
Other names: c.2173G>T, p.Asp725Tyr (NM_001195227.2); c.1828G>T, p.Asp610Tyr (NM_001321281.2); c.565G>T, p.Asp189Tyr (NM_001321282.2); c.1651G>T, p.Asp551Tyr (NM_001321283.2); c.1111G>T, p.Asp371Tyr (NM_001321285.2); short protein forms D189Y, D610Y, D725Y, D371Y, D551Y.
Identifiers: ClinVar variation 3329255 (VCV003329255.1).
Genomic context (GRCh38, chr19:49,190,736, plus strand): 5'-TGTGCTTCCCCCCTTGCTAGGAAATCAGAAGAGGAGCCCACACGGGAGGAGCTAGAGTTT[G>T]ACATGGATAGTGTCATTAATGGGGAAGGGCCTGTCGGGTGAGTGGAGCCTCCAGCACTGT-3'
Protein context (NP_060106.2, residues 715-735): EEPTREELEF[Asp725Tyr]MDSVINGEGP

ClinVar aggregate classification (germline): Uncertain significance (1 of 4 stars; one submission).

Conditions:
Cardiovascular phenotype. Identifiers: MedGen CN230736.

Submission:

Ambry Genetics
Classification: Uncertain significance for Cardiovascular phenotype. Last evaluated: 2024-06-12. Review status: criteria provided, single submitter. Criteria: Ambry Variant Classification Scheme 2023. Collection method: clinical testing. Allele origin: germline.
Comment: The p.D725Y variant (also known as c.2173G>T), located in coding exon 16 of the TRPM4 gene, results from a G to T substitution at nucleotide position 2173. The aspartic acid at codon 725 is replaced by tyrosine, an amino acid with highly dissimilar properties. This amino acid position is conserved. In addition, the in silico prediction for this alteration is inconclusive. Based on the available evidence, the clinical significance of this variant remains unclear.